The following is an entry in ClinVar:

ClinVar aggregate classification (germline): Uncertain significance. Review status: criteria provided, multiple submitters, no conflicts (2 of 4 stars). 2 submissions from 2 submitters: Uncertain significance (2). Last evaluated 2025-12-19.

Conditions:
Hereditary cancer-predisposing syndrome. Also called: Tumor predisposition; Neoplastic Syndromes, Hereditary; Hereditary Cancer Syndrome; Hereditary neoplastic syndrome. Identifiers: Orphanet 140162, MedGen C0027672, MeSH D009386, MONDO:0015356.
Neurofibromatosis, type 2 (SWNV). Also called: BILATERAL ACOUSTIC NEUROFIBROMATOSIS; SCHWANNOMATOSIS, VESTIBULAR; NF2-Related Schwannomatosis. Identifiers: Orphanet 637, MedGen C0027832, MONDO:0007039, OMIM 101000. Disease mechanism: loss of function.

Allele frequency attached by ClinVar (database versions not stated): gnomAD exomes below 0.00001.
gnomAD v4.1: 3 of 1,614,172 alleles (0.00019%); highest among the groups gnomAD compares: Non-Finnish European, 0.00017%; no homozygotes.

Submissions (2):

Labcorp Genetics (formerly Invitae), Labcorp
Classification: Uncertain significance for Neurofibromatosis, type 2. Last evaluated: 2025-12-19. Review status: criteria provided, single submitter. Criteria: Invitae Variant Classification Sherloc (09022015). Collection method: clinical testing. Allele origin: germline.
Comment: This sequence change replaces isoleucine, which is neutral and non-polar, with valine, which is neutral and non-polar, at codon 495 of the NF2 protein (p.Ile495Val). This variant is not present in population databases (gnomAD no frequency). This variant has not been reported in the literature in individuals affected with NF2-related conditions. ClinVar contains an entry for this variant (Variation ID: 1468639). Invitae Evidence Modeling of protein sequence and biophysical properties (such as structural, functional, and spatial information, amino acid conservation, physicochemical variation, residue mobility, and thermodynamic stability) indicates that this missense variant is not expected to disrupt NF2 protein function with a negative predictive value of 80%. In summary, the available evidence is currently insufficient to determine the role of this variant in disease. Therefore, it has been classified as a Variant of Uncertain Significance.

Ambry Genetics
Classification: Uncertain significance for Hereditary cancer-predisposing syndrome. Last evaluated: 2024-05-13. Review status: criteria provided, single submitter. Criteria: Ambry Variant Classification Scheme 2023. Collection method: clinical testing. Allele origin: germline.
Comment: The p.I495V variant (also known as c.1483A>G), located in coding exon 14 of the NF2 gene, results from an A to G substitution at nucleotide position 1483. The isoleucine at codon 495 is replaced by valine, an amino acid with highly similar properties. This amino acid position is conserved. In addition, this alteration is predicted to be tolerated by in silico analysis. Since supporting evidence is limited at this time, the clinical significance of this alteration remains unclear.

NM_000268.4(NF2):c.1483A>G (p.Ile495Val)

Gene: NF2 (NF2, moesin-ezrin-radixin like (MERLIN) tumor suppressor; plus strand). Cytogenetic location: 22q12.2.
Variant type: single nucleotide variant.
Coding change: c.1483A>G on transcript NM_000268.4 (MANE Select); coding-DNA position 1483, A replaced by G.
Protein change: p.Ile495Val; replaces isoleucine 495 with valine.
Molecular consequence: missense variant. On other transcripts: non-coding transcript variant (1), intron variant (1).
Genome position (GRCh38, 1-based): chr22:29,678,232, A>G. VCF-style: chr22-29678232-A-G. GRCh37 (hg19) VCF-style: chr22-30074221-A-G.
Other names: c.1483A>G, p.Ile495Val (NM_016418.5, NM_181825.3, NM_181832.3); c.1357A>G, p.Ile453Val (NM_181828.3); c.1360A>G, p.Ile454Val (NM_181829.3); c.1234A>G, p.Ile412Val (NM_181830.3, NM_181831.3); c.448-16520A>G (NM_181833.3); short protein forms I453V, I495V, I454V, I412V.
Identifiers: ClinVar variation 1468639 (VCV001468639.9), dbSNP rs1194776777, ClinGen allele CA411149610.